The following is an entry in ClinVar:

ClinVar aggregate classification (germline): Uncertain significance. Review status: criteria provided, multiple submitters, no conflicts (2 of 4 stars). 2 submissions from 2 submitters: Uncertain significance (2). Last evaluated 2025-04-01.

Conditions:
Inborn genetic diseases. Identifiers: MedGen C0950123, MeSH D030342.

Allele frequency attached by ClinVar (database versions not stated): TOPMed 0.00001; gnomAD 0.00001; gnomAD exomes 0.00001.
gnomAD v4.1: 21 of 1,603,622 alleles (0.0013%); highest among the groups gnomAD compares: Non-Finnish European, 0.0017%; no homozygotes.

Submissions (2):

Labcorp Genetics (formerly Invitae), Labcorp
Classification: Uncertain significance. Last evaluated: 2025-04-01. Review status: criteria provided, single submitter. Criteria: Invitae Variant Classification Sherloc (09022015). Collection method: clinical testing. Allele origin: germline.
Comment: This sequence change replaces glutamic acid, which is acidic and polar, with glycine, which is neutral and non-polar, at codon 706 of the ENPP1 protein (p.Glu706Gly). This variant is present in population databases (no rsID available, gnomAD 0.01%). This variant has not been reported in the literature in individuals affected with ENPP1-related conditions. ClinVar contains an entry for this variant (Variation ID: 2297757). Invitae Evidence Modeling of protein sequence and biophysical properties (such as structural, functional, and spatial information, amino acid conservation, physicochemical variation, residue mobility, and thermodynamic stability) indicates that this missense variant is not expected to disrupt ENPP1 protein function with a negative predictive value of 80%. In summary, the available evidence is currently insufficient to determine the role of this variant in disease. Therefore, it has been classified as a Variant of Uncertain Significance.

Ambry Genetics
Classification: Uncertain significance for Inborn genetic diseases. Last evaluated: 2022-06-27. Review status: criteria provided, single submitter. Criteria: Ambry Variant Classification Scheme 2023. Collection method: clinical testing. Allele origin: germline.

NM_006208.3(ENPP1):c.2117A>G (p.Glu706Gly)

Gene: ENPP1 (ectonucleotide pyrophosphatase/phosphodiesterase 1; plus strand). Cytogenetic location: 6q23.2.
Variant type: single nucleotide variant.
Coding change: c.2117A>G on transcript NM_006208.3 (MANE Select); coding-DNA position 2117, A replaced by G.
Protein change: p.Glu706Gly; replaces glutamic acid 706 with glycine.
Molecular consequence: missense variant.
Genome position (GRCh38, 1-based): chr6:131,882,361, A>G. VCF-style: chr6-131882361-A-G. GRCh37 (hg19) VCF-style: chr6-132203501-A-G.
Other names: short protein forms E706G.
Identifiers: ClinVar variation 2297757 (VCV002297757.3), dbSNP rs1352887447, ClinGen allele CA365653856.